The following is an entry in ClinVar:

NM_001177382.2(CPEB2):c.509AGC[5] (p.Gln173_Leu174insGln)

Genes: CPEB2 (cytoplasmic polyadenylation element binding protein 2; plus strand), LOC129992277 (ATAC-STARR-seq lymphoblastoid silent region 15292; plus strand). Cytogenetic location: 4p15.32.
Variant type: Microsatellite.
Coding change: c.509AGC[5] on transcript NM_001177382.2 (MANE Select); five copies in a row of the 3-base unit AGC starting at c.509; the reference has four copies in a row; one copy, 3 bases duplicated.
Protein change: p.Gln173_Leu174insGln.
Molecular consequence: inframe insertion.
Genome position (GRCh38, 1-based): chr4:15,003,191-15,003,193, AGC duplicated; duplicating any 3 consecutive bases within chr4:15,003,180-15,003,193 gives the same sequence; the position shown is the placement nearest the transcript's 3' end. VCF-style (leftmost placement, unchanged base first): chr4-15003179-G-GGCA. GRCh37 (hg19) VCF-style: chr4-15004803-G-GGCA.
Other names: c.509AGC[5], p.Gln173_Leu174insGln (NM_001177381.2, NM_001177383.2, NM_001177384.2 and 2 more transcripts).
Identifiers: ClinVar variation 3024708 (VCV003024708.22), dbSNP rs576522935, ClinGen allele CA2862517.

ClinVar aggregate classification (germline): Benign (1 of 4 stars; one submission).

Submission:

CeGaT Center for Human Genetics Tuebingen
Classification: Benign. Last evaluated: 2024-02-01. Review status: criteria provided, single submitter. Criteria: CeGaT Center For Human Genetics Tuebingen Variant Classification Criteria Version 2. Collection method: clinical testing. Allele origin: germline. Affected: yes. Observed: 1 variant allele.
Comment: CPEB2: PM4:Supporting, BS1, BS2